The following is an entry in ClinVar:

ClinVar aggregate classification (germline): Likely benign. Review status: criteria provided, multiple submitters, no conflicts (2 of 4 stars). 3 submissions from 3 submitters: Likely benign (2). 1 of the submissions does not count toward it. Last evaluated 2025-08-15.

Conditions:
Retinal dystrophy. Also called: Inherited retinal dystrophy. Identifiers: Orphanet 71862, MedGen C0854723, MeSH D058499, MONDO:0019118, HP:0000556.
ADGRA3-related disorder. Also called: ADGRA3-related condition.

Allele frequency attached by ClinVar (database versions not stated): TOPMed 0.00002; gnomAD 0.00004; ExAC 0.00010; 1000 Genomes Project 30x 0.00016; 1000 Genomes Project 0.00020.
gnomAD v4.1: 38 of 1,613,872 alleles (0.0024%); highest among the groups gnomAD compares: East Asian, 0.078%; no homozygotes.

Submissions (3):

Labcorp Genetics (formerly Invitae), Labcorp
Classification: Likely benign. Last evaluated: 2025-08-15. Review status: criteria provided, single submitter. Criteria: Invitae Variant Classification Sherloc (09022015). Collection method: clinical testing. Allele origin: germline.

Dept Of Ophthalmology, Nagoya University
Classification: Likely benign for Retinal dystrophy. Last evaluated: 2023-10-01. Review status: criteria provided, single submitter. Criteria: Submitter's publication. Collection method: research. Allele origin: germline. Affected: yes.

PreventionGenetics, part of Exact Sciences
Classification: Likely benign for ADGRA3-related condition. Last evaluated: 2019-02-22. Review status: no assertion criteria provided. Collection method: clinical testing. Allele origin: germline. Not counted in ClinVar's aggregate classification.
Comment: This variant is classified as likely benign based on ACMG/AMP sequence variant interpretation guidelines (Richards et al. 2015 PMID: 25741868, with internal and published modifications).

NM_145290.4(ADGRA3):c.954T>A (p.Ser318=)

Gene: ADGRA3 (adhesion G protein-coupled receptor A3; minus strand). Cytogenetic location: 4p15.2.
Variant type: single nucleotide variant.
Coding change: c.954T>A on transcript NM_145290.4 (MANE Select); coding-DNA position 954, T replaced by A.
Protein change: p.Ser318=; no amino-acid change (serine 318 retained).
Molecular consequence: synonymous variant.
Genome position (GRCh38, 1-based): chr4:22,438,387, A>T on the plus strand (T>A on the coding strand, the complement: ADGRA3 is on the minus strand). VCF-style: chr4-22438387-A-T. GRCh37 (hg19) VCF-style: chr4-22440010-A-T.
Other names: c.954T>A (NM_145290.3).
Identifiers: ClinVar variation 1104732 (VCV001104732.12), dbSNP rs199639027, ClinGen allele CA2874087.